The following is an entry in ClinVar:

NM_000751.3(CHRND):c.904A>C (p.Thr302Pro)

Gene: CHRND (cholinergic receptor nicotinic delta subunit; plus strand). Cytogenetic location: 2q37.1.
Variant type: single nucleotide variant.
Coding change: c.904A>C on transcript NM_000751.3 (MANE Select); coding-DNA position 904, A replaced by C.
Protein change: p.Thr302Pro; replaces threonine 302 with proline.
Molecular consequence: missense variant.
Genome position (GRCh38, 1-based): chr2:232,531,435, A>C. VCF-style: chr2-232531435-A-C. GRCh37 (hg19) VCF-style: chr2-233396145-A-C.
Other names: c.859A>C, p.Thr287Pro (NM_001256657.2); c.322A>C, p.Thr108Pro (NM_001311195.2); c.601A>C, p.Thr201Pro (NM_001311196.2); short protein forms T302P, T108P, T201P, T287P.
Identifiers: ClinVar variation 579854 (VCV000579854.6), dbSNP rs561839978, ClinGen allele CA351002696.

ClinVar aggregate classification (germline): Uncertain significance (1 of 4 stars; one submission).

Conditions:
Lethal multiple pterygium syndrome (LMPS). Identifiers: Orphanet 33108, MedGen C1854678, MONDO:0009668, OMIM 253290.

Allele frequency attached by ClinVar (database versions not stated): gnomAD exomes below 0.00001.
gnomAD v4.1: 2 of 1,613,956 alleles (0.00012%); highest among the groups gnomAD compares: South Asian, 0.0022%; no homozygotes.

Submission:

Labcorp Genetics (formerly Invitae), Labcorp
Classification: Uncertain significance for Lethal multiple pterygium syndrome. Last evaluated: 2021-11-08. Review status: criteria provided, single submitter. Criteria: Invitae Variant Classification Sherloc (09022015). Collection method: clinical testing. Allele origin: germline.
Comment: Advanced modeling of protein sequence and biophysical properties (such as structural, functional, and spatial information, amino acid conservation, physicochemical variation, residue mobility, and thermodynamic stability) performed at Invitae indicates that this missense variant is expected to disrupt CHRND protein function. In summary, the available evidence is currently insufficient to determine the role of this variant in disease. Therefore, it has been classified as a Variant of Uncertain Significance. ClinVar contains an entry for this variant (Variation ID: 579854). This sequence change replaces threonine, which is neutral and polar, with proline, which is neutral and non-polar, at codon 302 of the CHRND protein (p.Thr302Pro). This variant is not present in population databases (gnomAD no frequency). This variant has not been reported in the literature in individuals affected with CHRND-related conditions.